The following is an entry in ClinVar:

ClinVar aggregate classification (germline): Uncertain significance. Review status: criteria provided, multiple submitters, no conflicts (2 of 4 stars). 2 submissions from 2 submitters: Uncertain significance (2). Last evaluated 2025-08-27.

Conditions:
Familial adenomatous polyposis 2. Also called: COLORECTAL ADENOMATOUS POLYPOSIS, AUTOSOMAL RECESSIVE; ADENOMAS, MULTIPLE COLORECTAL, AUTOSOMAL RECESSIVE; MUTYH-related attenuated familial adenomatous polyposis; MUTYH-associated polyposis; MYH-associated polyposis; MUTYH Polyposis. Identifiers: Orphanet 220460, Orphanet 247798, MedGen C3272841, MONDO:0012041, OMIM 608456.
Hereditary cancer-predisposing syndrome. Also called: Tumor predisposition; Hereditary neoplastic syndrome; Hereditary Cancer Syndrome; Neoplastic Syndromes, Hereditary. Identifiers: Orphanet 140162, MedGen C0027672, MeSH D009386, MONDO:0015356.

Submissions (2):

Ambry Genetics
Classification: Uncertain significance for Hereditary cancer-predisposing syndrome. Last evaluated: 2025-08-27. Review status: criteria provided, single submitter. Criteria: Ambry Variant Classification Scheme 2023. Collection method: clinical testing. Allele origin: germline.
Comment: The p.K41R variant (also known as c.122A>G), located in coding exon 2 of the MUTYH gene, results from an A to G substitution at nucleotide position 122. The lysine at codon 41 is replaced by arginine, an amino acid with highly similar properties. This amino acid position is conserved. In addition, this alteration is predicted to be tolerated by in silico analysis. Based on the available evidence, the clinical significance of this variant remains unclear.

Labcorp Genetics (formerly Invitae), Labcorp
Classification: Uncertain significance for Familial adenomatous polyposis 2. Last evaluated: 2023-04-06. Review status: criteria provided, single submitter. Criteria: Invitae Variant Classification Sherloc (09022015). Collection method: clinical testing. Allele origin: germline.
Comment: In summary, the available evidence is currently insufficient to determine the role of this variant in disease. Therefore, it has been classified as a Variant of Uncertain Significance. This sequence change replaces lysine, which is basic and polar, with arginine, which is basic and polar, at codon 41 of the MUTYH protein (p.Lys41Arg). This variant is not present in population databases (gnomAD no frequency). This variant has not been reported in the literature in individuals affected with MUTYH-related conditions. Algorithms developed to predict the effect of missense changes on protein structure and function output the following: SIFT: "Not Available"; PolyPhen-2: "Benign"; Align-GVGD: "Not Available". The arginine amino acid residue is found in multiple mammalian species, which suggests that this missense change does not adversely affect protein function.

NM_001048174.2(MUTYH):c.80A>G (p.Lys27Arg)

Gene: MUTYH (mutY DNA glycosylase; minus strand). Cytogenetic location: 1p34.1.
Variant type: single nucleotide variant.
Coding change: c.80A>G on transcript NM_001048174.2 (MANE Select); coding-DNA position 80, A replaced by G.
Protein change: p.Lys27Arg; replaces lysine 27 with arginine.
Molecular consequence: missense variant. On other transcripts: 5 prime UTR variant (7), non-coding transcript variant (7).
Genome position (GRCh38, 1-based): chr1:45,334,426, T>C on the plus strand (A>G on the coding strand, the complement: MUTYH is on the minus strand). VCF-style: chr1-45334426-T-C. GRCh37 (hg19) VCF-style: chr1-45800098-T-C.
Other names: c.80A>G, p.Lys27Arg (NM_001048171.2, NM_001048172.2, NM_001048173.2 and 15 more transcripts); c.122A>G, p.Lys41Arg (NM_001128425.2, NM_001293190.2, NM_001407069.1 and 2 more transcripts); c.-133A>G (NM_001293192.2, NM_001293196.2, NM_001407091.1); c.-192A>G (NM_001350650.2); c.-128A>G (NM_001350651.2, NM_001407082.1); c.-77A>G (NM_001407075.1); c.98A>G, p.Lys33Arg (NM_001407087.1); short protein forms K41R, K27R, K33R.
Identifiers: ClinVar variation 2852402 (VCV002852402.4), dbSNP rs2524355850, ClinGen allele CA340137055.